The following is an entry in ClinVar:

NM_000455.5(STK11):c.852C>G (p.Asp284Glu)

Gene: STK11 (serine/threonine kinase 11; plus strand). Cytogenetic location: 19p13.3.
Variant type: single nucleotide variant.
Coding change: c.852C>G on transcript NM_000455.5 (MANE Select); coding-DNA position 852, C replaced by G.
Protein change: p.Asp284Glu; replaces aspartic acid 284 with glutamic acid.
Molecular consequence: missense variant.
Genome position (GRCh38, 1-based): chr19:1,221,330, C>G. VCF-style: chr19-1221330-C-G. GRCh37 (hg19) VCF-style: chr19-1221329-C-G.
Other names: c.852C>G, p.Asp284Glu (NM_001407255.1); short protein forms D284E.
Identifiers: ClinVar variation 2161107 (VCV002161107.4), dbSNP rs2145427244, ClinGen allele CA402950744.

ClinVar aggregate classification (germline): Uncertain significance (1 of 4 stars; one submission).

Conditions:
Peutz-Jeghers syndrome (PJS). Also called: POLYPOSIS, HAMARTOMATOUS INTESTINAL; POLYPS-AND-SPOTS SYNDROME; Peutz-Jeghers polyposis; Periorificial lentiginosis syndrome. Identifiers: Orphanet 2869, MedGen C0031269, MeSH D010580, MONDO:0008280, OMIM 175200.

gnomAD v4.1: 1 of 1,608,544 alleles (0.000062%); highest among the groups gnomAD compares: Non-Finnish European, 0.000085%; no homozygotes.

Submission:

Labcorp Genetics (formerly Invitae), Labcorp
Classification: Uncertain significance for Peutz-Jeghers syndrome. Last evaluated: 2022-02-23. Review status: criteria provided, single submitter. Criteria: Invitae Variant Classification Sherloc (09022015). Collection method: clinical testing. Allele origin: germline.
Comment: Advanced modeling of protein sequence and biophysical properties (such as structural, functional, and spatial information, amino acid conservation, physicochemical variation, residue mobility, and thermodynamic stability) performed at Invitae indicates that this missense variant is expected to disrupt STK11 protein function. This variant has not been reported in the literature in individuals affected with STK11-related conditions. This variant is not present in population databases (gnomAD no frequency). This sequence change replaces aspartic acid, which is acidic and polar, with glutamic acid, which is acidic and polar, at codon 284 of the STK11 protein (p.Asp284Glu). In summary, the available evidence is currently insufficient to determine the role of this variant in disease. Therefore, it has been classified as a Variant of Uncertain Significance.